The following is an entry in ClinVar:

ClinVar aggregate classification (germline): Pathogenic/Likely pathogenic. Review status: no assertion criteria provided (0 of 4 stars). 2 submissions from 2 submitters: Pathogenic (1); Likely pathogenic (1). Last evaluated 2003-11-01.

Conditions:
Rapadilino syndrome. Identifiers: Orphanet 3021, MedGen C1849453, MONDO:0009955, OMIM 266280.

Allele frequency attached by ClinVar (database versions not stated): gnomAD exomes below 0.00001; ExAC 0.00001.

Submissions (2):

OMIM
Classification: Pathogenic for RAPADILINO SYNDROME. Last evaluated: 2003-11-01. Review status: no assertion criteria provided. Collection method: literature only. Allele origin: germline.

Juha Muilu Group; Institute for Molecular Medicine Finland (FIMM)
Classification: Likely pathogenic for Rapadilino syndrome. Review status: no assertion criteria provided. Collection method: not provided. Allele origin: unknown.
Comment: FinDis database variant: This variant was not found or characterized by our laboratory, data were collected from public sources: see reference
ClinVar note: Converted during submission from probable-pathogenic to Likely pathogenic.

Literature cited by the submitters: PubMed 12952869 (cited by OMIM).

NM_004260.4(RECQL4):c.3271C>T (p.Gln1091Ter)

Gene: RECQL4 (RecQ like helicase 4; minus strand). Cytogenetic location: 8q24.3.
Variant type: single nucleotide variant.
Coding change: c.3271C>T on transcript NM_004260.4 (MANE Select); coding-DNA position 3271, C replaced by T.
Protein change: p.Gln1091Ter; replaces glutamine 1091 with a stop codon.
Molecular consequence: nonsense.
Genome position (GRCh38, 1-based): chr8:144,512,033, G>A on the plus strand (C>T on the coding strand, the complement: RECQL4 is on the minus strand). VCF-style: chr8-144512033-G-A. GRCh37 (hg19) VCF-style: chr8-145737416-G-A.
Other names: E1091*; short protein forms Q1091*.
Identifiers: ClinVar variation 56409 (VCV000056409.3), dbSNP rs137853230, ClinGen allele CA144340.
Genomic context (GRCh38, chr8:144,512,033, plus strand): 5'-CTTCCTCAAAGTAGCGGCCGAGCAGGTCCTTGAGCCTGGTGCTGCGCTCCTCATCCTGCT[G>A]CTCCAGGCAGGGCCCGCAGCTGGGGAAGGCTACGCTGTGGGGAGGAGCCTGTCAGAGCTG-3'